The following is an entry in ClinVar:

ClinVar aggregate classification (germline): Uncertain significance (1 of 4 stars; one submission).

Submission:

Dasa
Classification: Uncertain significance. Last evaluated: 2024-11-18. Review status: criteria provided, single submitter. Criteria: DASA Assertion Criteria. Collection method: clinical testing. Allele origin: germline.
Comment: NM_031407.7(HUWE1):c.8821C>G (p.Arg2941Gly) is a missense variant that results in the substitution of arginine with glycine. This variant is absent from population databases. Computational prediction algorithms are consistent with a benign effect. The currently available literature and clinical evidence are not sufficient to establish a definitive association between this variant and the reported condition. Therefore, this variant is classified as a variant of uncertain significance.

NM_031407.7(HUWE1):c.8821C>G (p.Arg2941Gly)

Gene: HUWE1 (HECT, UBA and WWE domain containing E3 ubiquitin protein ligase 1; minus strand). Cytogenetic location: Xp11.22.
Variant type: single nucleotide variant.
Coding change: c.8821C>G on transcript NM_031407.7 (MANE Select); coding-DNA position 8821, C replaced by G.
Protein change: p.Arg2941Gly; replaces arginine 2941 with glycine.
Molecular consequence: missense variant.
Genome position (GRCh38, 1-based): chrX:53,552,371, G>C on the plus strand (C>G on the coding strand, the complement: HUWE1 is on the minus strand). VCF-style: chrX-53552371-G-C. GRCh37 (hg19) VCF-style: chrX-53579332-G-C.
Other names: c.8818C>G, p.Arg2940Gly (NM_001441051.1, NM_001441053.1, NM_001441056.1 and 2 more transcripts); c.8419C>G, p.Arg2807Gly (NM_001441052.1); c.8821C>G, p.Arg2941Gly (NM_001441054.1, NM_001441057.1, NM_001441049.1); c.8842C>G, p.Arg2948Gly (NM_001441055.1, NM_001441050.1); short protein forms R2807G, R2940G, R2941G, R2948G.
Identifiers: ClinVar variation 4882450 (VCV004882450.2).